The following is an entry in ClinVar:

NM_014727.3(KMT2B):c.3919G>A (p.Gly1307Arg)

Gene: KMT2B (lysine methyltransferase 2B; plus strand). Cytogenetic location: 19q13.12.
Variant type: single nucleotide variant.
Coding change: c.3919G>A on transcript NM_014727.3 (MANE Select); coding-DNA position 3919, G replaced by A.
Protein change: p.Gly1307Arg; replaces glycine 1307 with arginine.
Molecular consequence: missense variant.
Genome position (GRCh38, 1-based): chr19:35,726,269, G>A. VCF-style: chr19-35726269-G-A. GRCh37 (hg19) VCF-style: chr19-36217170-G-A.
Other names: short protein forms G1307R.
Identifiers: ClinVar variation 1312011 (VCV001312011.2), dbSNP rs2146452220, ClinGen allele CA405411531.

ClinVar aggregate classification (germline): Uncertain significance (1 of 4 stars; one submission).

Allele frequency attached by ClinVar (database versions not stated): gnomAD exomes below 0.00001.
gnomAD v4.1: 2 of 1,613,786 alleles (0.00012%); highest among the groups gnomAD compares: Non-Finnish European, 0.00017%; no homozygotes.

Submission:

GeneDx
Classification: Uncertain significance. Last evaluated: 2020-02-13. Review status: criteria provided, single submitter. Criteria: GeneDx Variant Classification Process June 2021. Collection method: clinical testing. Allele origin: germline. Affected: yes.
Comment: Has not been previously published as pathogenic or benign to our knowledge; Not observed in large population cohorts (Lek et al., 2016); In silico analysis supports that this missense variant has a deleterious effect on protein structure/function